The following is an entry in ClinVar:

ClinVar aggregate classification (germline): Likely benign (1 of 4 stars; one submission).

Submission:

CeGaT Center for Human Genetics Tuebingen
Classification: Likely benign. Last evaluated: 2025-06-01. Review status: criteria provided, single submitter. Criteria: CeGaT Center For Human Genetics Tuebingen Variant Classification Criteria Version 2. Collection method: clinical testing. Allele origin: germline. Affected: yes. Observed: 2 variant alleles.
Comment: MUC3A: PM2:Supporting, BP4, BP7

NM_005960.2(MUC3A):c.6801A>C (p.Ser2267=)

Gene: MUC3A (mucin 3A, cell surface associated; plus strand). Cytogenetic location: 7q22.1.
Variant type: single nucleotide variant.
Coding change: c.6801A>C on transcript NM_005960.2 (MANE Select); coding-DNA position 6801, A replaced by C.
Protein change: p.Ser2267=; no amino-acid change (serine 2267 retained).
Molecular consequence: synonymous variant.
Genome position (GRCh38, 1-based): chr7:100,958,580, A>C. VCF-style: chr7-100958580-A-C. GRCh37 (hg19) VCF-style: chr7-100550709-A-C.
Identifiers: ClinVar variation 3905238 (VCV003905238.10).
Genomic context (GRCh38, chr7:100,958,580, plus strand): 5'-GACTACATCCCACAGTACTCCCAGCTTCACTTCTTCGATCACCACCACTGAGACCACCTC[A>C]CATGATACTCCCAGCTTCACTTCTTCAATCACCACCAGTGAGACCCCCTCACACAGTACT-3'
Protein context (NP_005951.1, residues 2257-2277): TSSITTTETT[Ser2267=]HDTPSFTSSI